The following is an entry in ClinVar:

ClinVar aggregate classification (germline): Benign/Likely benign. Review status: criteria provided, multiple submitters, no conflicts (2 of 4 stars). 5 submissions from 5 submitters: Benign (1); Likely benign (3). 1 of the submissions does not count toward it. Last evaluated 2025-12-12.

Conditions:
Wilms tumor 1 (WT1). Also called: Wilms tumor, somatic. Identifiers: Orphanet 654, MedGen CN033288, MONDO:0008679, OMIM 194070.
Inborn genetic diseases. Identifiers: MedGen C0950123, MeSH D030342.
GPC3-related disorder. Also called: GPC3-related condition.

Allele frequency attached by ClinVar (database versions not stated): gnomAD exomes 0.00002 and 0.00005; ExAC 0.00009; TOPMed 0.00012; gnomAD 0.00014 and 0.00015; ESP Exome Variant Server 0.00038; 1000 Genomes Project 0.00053; 1000 Genomes Project 30x 0.00083.
gnomAD v4.1: 35 of 1,208,839 alleles (0.0029%); highest among the groups gnomAD compares: African/African-American, 0.061%; no homozygotes.

Submissions (5):

Women's Health and Genetics/Laboratory Corporation of America, LabCorp
Classification: Likely benign. Last evaluated: 2025-12-12. Review status: criteria provided, single submitter. Criteria: LabCorp Variant Classification Summary - May 2015. Collection method: clinical testing. Allele origin: germline.
Comment: Variant summary: GPC3 c.676A>G (p.Thr226Ala) results in a non-conservative amino acid change in the encoded protein sequence. Algorithms developed to predict the effect of missense changes on protein structure and function are either unavailable or do not agree on the potential impact of this missense change. The variant allele was found at a frequency of 4.9e-05 in 182063 control chromosomes, including several heterozygous males (gnomAD). To our knowledge, no occurrence of c.676A>G in individuals affected with GPC3-related conditions and no experimental evidence demonstrating its impact on protein function have been reported. ClinVar contains an entry for this variant (Variation ID: 573779). Based on the evidence outlined above, the variant was classified as likely benign.

Labcorp Genetics (formerly Invitae), Labcorp
Classification: Benign for Wilms tumor 1. Last evaluated: 2025-11-15. Review status: criteria provided, single submitter. Criteria: Invitae Variant Classification Sherloc (09022015). Collection method: clinical testing. Allele origin: germline.

Ambry Genetics
Classification: Likely benign for Inborn genetic diseases. Last evaluated: 2025-08-13. Review status: criteria provided, single submitter. Criteria: Ambry Variant Classification Scheme 2023. Collection method: clinical testing. Allele origin: germline.

GeneDx
Classification: Likely benign. Last evaluated: 2020-11-27. Review status: criteria provided, single submitter. Criteria: GeneDx Variant Classification Process June 2021. Collection method: clinical testing. Allele origin: germline. Affected: yes.

PreventionGenetics, part of Exact Sciences
Classification: Likely benign for GPC3-related condition. Last evaluated: 2024-04-17. Review status: no assertion criteria provided. Collection method: clinical testing. Allele origin: germline. Not counted in ClinVar's aggregate classification.
Comment: This variant is classified as likely benign based on ACMG/AMP sequence variant interpretation guidelines (Richards et al. 2015 PMID: 25741868, with internal and published modifications).

NM_004484.4(GPC3):c.676A>G (p.Thr226Ala)

Gene: GPC3 (glypican 3; minus strand). Cytogenetic location: Xq26.2.
Variant type: single nucleotide variant.
Coding change: c.676A>G on transcript NM_004484.4 (MANE Select); coding-DNA position 676, A replaced by G.
Protein change: p.Thr226Ala; replaces threonine 226 with alanine.
Molecular consequence: missense variant.
Genome position (GRCh38, 1-based): chrX:133,753,838, T>C on the plus strand (A>G on the coding strand, the complement: GPC3 is on the minus strand). VCF-style: chrX-133753838-T-C. GRCh37 (hg19) VCF-style: chrX-132887865-T-C.
Other names: c.676A>G, p.Thr226Ala (NM_001164617.2); c.628A>G, p.Thr210Ala (NM_001164618.2); c.514A>G, p.Thr172Ala (NM_001164619.2); short protein forms T226A, T172A, T210A.
Identifiers: ClinVar variation 573779 (VCV000573779.18), dbSNP rs145141525, ClinGen allele CA10520808.